The following is an entry in ClinVar:

NM_005245.4(FAT1):c.2833G>A (p.Val945Ile)

Gene: FAT1 (FAT atypical cadherin 1; minus strand). Cytogenetic location: 4q35.2.
Variant type: single nucleotide variant.
Coding change: c.2833G>A on transcript NM_005245.4 (MANE Select); coding-DNA position 2833, G replaced by A.
Protein change: p.Val945Ile; replaces valine 945 with isoleucine.
Molecular consequence: missense variant.
Genome position (GRCh38, 1-based): chr4:186,706,995, C>T on the plus strand (G>A on the coding strand, the complement: FAT1 is on the minus strand). VCF-style: chr4-186706995-C-T. GRCh37 (hg19) VCF-style: chr4-187628149-C-T.
Other names: short protein forms V945I.
Identifiers: ClinVar variation 2063125 (VCV002063125.5), dbSNP rs377150532, ClinGen allele CA3167164.

ClinVar aggregate classification (germline): Conflicting classifications of pathogenicity. Review status: criteria provided, conflicting classifications (1 of 4 stars). 2 submissions from 2 submitters: Uncertain significance (1); Likely benign (1). Last evaluated 2024-01-23.

Conditions:
Inborn genetic diseases. Identifiers: MedGen C0950123, MeSH D030342.

Allele frequency attached by ClinVar (database versions not stated): TOPMed 0.00005; gnomAD 0.00007; ESP Exome Variant Server 0.00008; gnomAD exomes 0.00013; ExAC 0.00004.
gnomAD v4.1: 203 of 1,613,848 alleles (0.013%); highest among the groups gnomAD compares: Non-Finnish European, 0.016%; no homozygotes.

Submissions (2):

Labcorp Genetics (formerly Invitae), Labcorp
Classification: Uncertain significance. Last evaluated: 2024-01-23. Review status: criteria provided, single submitter. Criteria: Invitae Variant Classification Sherloc (09022015). Collection method: clinical testing. Allele origin: germline.
Comment: This sequence change replaces valine, which is neutral and non-polar, with isoleucine, which is neutral and non-polar, at codon 945 of the FAT1 protein (p.Val945Ile). This variant is present in population databases (rs377150532, gnomAD 0.008%). This variant has not been reported in the literature in individuals affected with FAT1-related conditions. ClinVar contains an entry for this variant (Variation ID: 2063125). Advanced modeling of protein sequence and biophysical properties (such as structural, functional, and spatial information, amino acid conservation, physicochemical variation, residue mobility, and thermodynamic stability) performed at Invitae indicates that this missense variant is not expected to disrupt FAT1 protein function with a negative predictive value of 80%. In summary, the available evidence is currently insufficient to determine the role of this variant in disease. Therefore, it has been classified as a Variant of Uncertain Significance.

Ambry Genetics
Classification: Likely benign for Inborn genetic diseases. Last evaluated: 2022-12-02. Review status: criteria provided, single submitter. Criteria: Ambry Variant Classification Scheme 2023. Collection method: clinical testing. Allele origin: germline.